The following is an entry in ClinVar:

ClinVar aggregate classification (germline): Likely pathogenic (1 of 4 stars; one submission).

Conditions:
Amyotrophic lateral sclerosis type 16. Also called: AMYOTROPHIC LATERAL SCLEROSIS 16, JUVENILE. Identifiers: Orphanet 300605, MedGen C3280587, MONDO:0013715, OMIM 614373.

gnomAD v4.1: 3 of 1,614,238 alleles (0.00019%); highest among the groups gnomAD compares: Non-Finnish European, 0.00025%; no homozygotes.

Submission:

Victorian Clinical Genetics Services, Murdoch Childrens Research Institute
Classification: Likely pathogenic for Amyotrophic lateral sclerosis type 16. Last evaluated: 2022-02-02. Review status: criteria provided, single submitter. Criteria: ACMG Guidelines, 2015. Collection method: clinical testing. Allele origin: germline. Inheritance: Autosomal recessive inheritance. Affected: yes.
Comment: Based on the classification scheme VCGS_Germline_v1.3.4, this variant is classified as Likely Pathogenic. Following criteria are met: 0102 - Loss of function is a known mechanism of disease in this gene and is associated with spinal muscular atrophy, distal, autosomal recessive, 2 (MIM#605726), and is a likely mechanism for amyotrophic lateral sclerosis 16, juvenile (MIM#614373) (PMID: 31511340, PMID: 25704016). (I) 0106 - This gene is associated with autosomal recessive disease. (I) 0200 - Variant is predicted to result in a missense amino acid change from glutamic acid to lysine. (I) 0251 - This variant is heterozygous. (I) 0301 - Variant is absent from gnomAD (both v2 and v3). (SP) 0502 - Missense variant with conflicting in silico predictions and uninformative conservation. (I) 0600 - Variant is located in the annotated ERG2_Sigma1R domain (NCBI). (I) 0705 - No comparable missense variants have previous evidence for pathogenicity. (I) 0807 - This variant has no previous evidence of pathogenicity. (I) 0905 - No published segregation evidence has been identified for this variant. (I) 1007 - No published functional evidence has been identified for this variant. (I) 1102 - Strong phenotype match for this individual. (SP) 1201 - Heterozygous variant detected in trans with a second pathogenic heterozygous variant (p.(Leu65Gln)) in a recessive disease. (I) Legend: (SP) - Supporting pathogenic, (I) - Information, (SB) - Supporting benign

Literature cited by the submitters: PubMed 25704016; PubMed 31511340.

NM_005866.4(SIGMAR1):c.637G>A (p.Glu213Lys)

Gene: SIGMAR1 (sigma receptor chaperone 1; minus strand). Cytogenetic location: 9p13.3.
Variant type: single nucleotide variant.
Coding change: c.637G>A on transcript NM_005866.4 (MANE Select); coding-DNA position 637, G replaced by A.
Protein change: p.Glu213Lys; replaces glutamic acid 213 with lysine.
Molecular consequence: missense variant. On other transcripts: 3 prime UTR variant (2), non-coding transcript variant (1), intron variant (1).
Genome position (GRCh38, 1-based): chr9:34,635,667, C>T on the plus strand (G>A on the coding strand, the complement: SIGMAR1 is on the minus strand). VCF-style: chr9-34635667-C-T. GRCh37 (hg19) VCF-style: chr9-34635664-C-T.
Other names: c.337G>A, p.Glu113Lys (NM_001282206.2); c.577G>A, p.Glu193Lys (NM_001282207.2); c.*180G>A (NM_001282208.2); c.*164G>A (NM_001282209.2); c.544G>A, p.Glu182Lys (NM_147157.3); c.446-27G>A (NM_001282205.2); short protein forms E113K, E182K, E193K, E213K.
Identifiers: ClinVar variation 1699407 (VCV001699407.3), dbSNP rs2132323906, ClinGen allele CA373272028.